The following is an entry in ClinVar:

NM_004612.4(TGFBR1):c.691G>A (p.Val231Ile)

Gene: TGFBR1 (transforming growth factor beta receptor 1; plus strand). Cytogenetic location: 9q22.33.
Variant type: single nucleotide variant.
Coding change: c.691G>A on transcript NM_004612.4 (MANE Select); coding-DNA position 691, G replaced by A.
Protein change: p.Val231Ile; replaces valine 231 with isoleucine.
Molecular consequence: missense variant. On other transcripts: non-coding transcript variant (4), intron variant (2).
Genome position (GRCh38, 1-based): chr9:99,137,975, G>A. VCF-style: chr9-99137975-G-A. GRCh37 (hg19) VCF-style: chr9-101900257-G-A.
Other names: c.460G>A, p.Val154Ile (NM_001130916.3); c.703G>A, p.Val235Ile (NM_001306210.2, NM_001407416.1); c.691G>A, p.Val231Ile (NM_001407417.1); c.496G>A, p.Val166Ile (NM_001407418.1, NM_001407419.1, NM_001407420.1 and 1 more transcripts); c.484G>A, p.Val162Ile (NM_001407423.1, NM_001407424.1, NM_001407425.1 and 8 more transcripts); c.445G>A, p.Val149Ile (NM_001407436.1); c.214G>A, p.Val72Ile (NM_001407438.1); c.575-4561G>A (NM_001407435.1); and 1 more; short protein forms V154I, V231I, V166I, V149I, V235I, V162I, V72I.
Identifiers: ClinVar variation 2774553 (VCV002774553.3), dbSNP rs1827488583, ClinGen allele CA374229699.

ClinVar aggregate classification (germline): Uncertain significance. Review status: criteria provided, multiple submitters, no conflicts (2 of 4 stars). 2 submissions from 2 submitters: Uncertain significance (2). Last evaluated 2024-03-07.

Conditions:
Loeys-Dietz syndrome (LDS). Identifiers: Orphanet 60030, MedGen C2697932, MONDO:0018954.
Familial thoracic aortic aneurysm and aortic dissection (TAAD). Also called: Thoracic aortic aneurysms and dissections. Identifiers: Orphanet 91387, MedGen C4707243, MONDO:0019625.

Submissions (2):

Color Diagnostics, LLC DBA Color Health
Classification: Uncertain significance for Familial thoracic aortic aneurysm and aortic dissection. Last evaluated: 2024-03-07. Review status: criteria provided, single submitter. Criteria: ACMG Guidelines, 2015. Collection method: clinical testing. Allele origin: germline.
Comment: This missense variant replaces valine with isoleucine at codon 231 of the TGFBR1 protein. Computational prediction is inconclusive regarding the impact of this variant on protein structure and function (internally defined REVEL score threshold 0.5 < inconclusive < 0.7, PMID: 27666373). To our knowledge, functional studies have not been reported for this variant. This variant has not been reported in individuals affected with TGFBR1-related disorders in the literature. This variant has not been identified in the general population by the Genome Aggregation Database (gnomAD). The available evidence is insufficient to determine the role of this variant in disease conclusively. Therefore, this variant is classified as a Variant of Uncertain Significance.

All of Us Research Program, National Institutes of Health
Classification: Uncertain significance for Loeys-Dietz syndrome. Last evaluated: 2023-10-02. Review status: criteria provided, single submitter. Criteria: ACMG Guidelines, 2015. Collection method: clinical testing. Allele origin: germline. Inheritance: Autosomal dominant inheritance. Observed: 1 variant allele, 1 heterozygote.
Comment: This missense variant replaces valine with isoleucine at codon 231 of the TGFBR1 protein. Computational prediction is inconclusive regarding the impact of this variant on protein structure and function (internally defined REVEL score threshold 0.5 < inconclusive < 0.7, PMID: 27666373). To our knowledge, functional studies have not been reported for this variant. This variant has not been reported in individuals affected with TGFBR1-related disorders in the literature. This variant has not been identified in the general population by the Genome Aggregation Database (gnomAD). The available evidence is insufficient to determine the role of this variant in disease conclusively. Therefore, this variant is classified as a Variant of Uncertain Significance.

This study involves interpretation of variants in research participants for the purpose of population health screening. Participant phenotype was not available at the time of variant classification. Additional details can be found in publication PMID: 35346344, PMCID: PMC8962531